The following is an entry in ClinVar:

ClinVar aggregate classification (germline): Likely benign (1 of 4 stars; one submission).

Conditions:
SIM1-related disorder. Also called: SIM1-related condition; SIM1-related disorders.

gnomAD v4.1: 11 of 1,609,696 alleles (0.00068%); highest among the groups gnomAD compares: African/African-American, 0.011%; no homozygotes.

Submission:

PreventionGenetics, part of Exact Sciences
Classification: Likely benign for SIM1-related condition. Last evaluated: 2025-01-15. Review status: criteria provided, single submitter. Criteria: ACMG Guidelines, 2015. Collection method: clinical testing. Allele origin: germline.
Comment: This variant is classified as likely benign based on ACMG/AMP sequence variant interpretation guidelines (Richards et al. 2015 PMID: 25741868, with internal and published modifications).

NM_005068.3(SIM1):c.349-10C>T

Gene: SIM1 (SIM bHLH transcription factor 1; minus strand). Cytogenetic location: 6q16.3.
Variant type: single nucleotide variant.
Coding change: c.349-10C>T on transcript NM_005068.3 (MANE Select); 10 bases into the intron before coding-DNA position 349, C replaced by T.
Molecular consequence: intron variant.
Genome position (GRCh38, 1-based): chr6:100,449,709, G>A on the plus strand (C>T on the coding strand, the complement: SIM1 is on the minus strand). VCF-style: chr6-100449709-G-A. GRCh37 (hg19) VCF-style: chr6-100897585-G-A.
Other names: c.349-10C>T (NM_001374769.1).
Identifiers: ClinVar variation 4978568 (VCV004978568.1).